The following is an entry in ClinVar:

NM_022042.4(SLC26A1):c.1597C>T (p.Pro533Ser)

Genes: SLC26A1 (solute carrier family 26 member 1; minus strand), IDUA (alpha-L-iduronidase; plus strand). Cytogenetic location: 4p16.3.
Variant type: single nucleotide variant.
Coding change: c.1597C>T on transcript NM_022042.4 (MANE Select); coding-DNA position 1597, C replaced by T.
Protein change: p.Pro533Ser; replaces proline 533 with serine.
Molecular consequence: missense variant. On other transcripts: intron variant (2).
Genome position (GRCh38, 1-based): chr4:989,342, G>A on the plus strand (C>T on the coding strand, the complement: SLC26A1 is on the minus strand). VCF-style: chr4-989342-G-A. GRCh37 (hg19) VCF-style: chr4-983130-G-A.
Other names: c.1597C>T, p.Pro533Ser (NM_213613.4); c.576+1786C>T (NM_134425.4); c.299+1393G>A (NM_000203.5); short protein forms P533S.
Identifiers: ClinVar variation 3016718 (VCV003016718.3), dbSNP rs143915071, ClinGen allele CA355950593.

ClinVar aggregate classification (germline): Uncertain significance (1 of 4 stars; one submission).

gnomAD v4.1: 17 of 1,603,950 alleles (0.0011%); highest among the groups gnomAD compares: Non-Finnish European, 0.0013%; no homozygotes.

Submission:

Labcorp Genetics (formerly Invitae), Labcorp
Classification: Uncertain significance. Last evaluated: 2024-07-01. Review status: criteria provided, single submitter. Criteria: Invitae Variant Classification Sherloc (09022015). Collection method: clinical testing. Allele origin: germline.
Comment: This sequence change replaces proline, which is neutral and non-polar, with serine, which is neutral and polar, at codon 533 of the SLC26A1 protein (p.Pro533Ser). This variant is present in population databases (no rsID available, gnomAD 0.001%). This variant has not been reported in the literature in individuals affected with SLC26A1-related conditions. Advanced modeling of protein sequence and biophysical properties (such as structural, functional, and spatial information, amino acid conservation, physicochemical variation, residue mobility, and thermodynamic stability) performed at Invitae indicates that this missense variant is not expected to disrupt SLC26A1 protein function with a negative predictive value of 80%. In summary, the available evidence is currently insufficient to determine the role of this variant in disease. Therefore, it has been classified as a Variant of Uncertain Significance.